The following is an entry in ClinVar:

NM_001360.3(DHCR7):c.1214del (p.His405fs)

Gene: DHCR7 (7-dehydrocholesterol reductase; minus strand). Cytogenetic location: 11q13.4.
Variant type: Deletion.
Coding change: c.1214del on transcript NM_001360.3 (MANE Select); coding-DNA position 1214, one base deleted (A; older notation c.1214delA).
Protein change: p.His405fs; shifts the reading frame from histidine 405.
Molecular consequence: frameshift variant.
Genome position (GRCh38, 1-based): chr11:71,435,589, T deleted on the plus strand (A on the coding strand, the reverse complement: DHCR7 is on the minus strand). VCF-style (leftmost placement, unchanged base first): chr11-71435588-GT-G. GRCh37 (hg19) VCF-style: chr11-71146634-GT-G.
Other names: c.1214del, p.His405fs (NM_001163817.2); short protein forms H405fs.
Identifiers: ClinVar variation 2098111 (VCV002098111.6), dbSNP rs1316486592, ClinGen allele CA679810785.

ClinVar aggregate classification (germline): Pathogenic/Likely pathogenic. Review status: criteria provided, multiple submitters, no conflicts (2 of 4 stars). 2 submissions from 2 submitters: Pathogenic (1); Likely pathogenic (1). Last evaluated 2025-06-23.

Conditions:
Smith-Lemli-Opitz syndrome (SLOS). Also called: LETHAL ACRODYSGENITAL SYNDROME; POLYDACTYLY, SEX REVERSAL, RENAL HYPOPLASIA, AND UNILOBAR LUNG; RSH SYNDROME; RUTLEDGE LETHAL MULTIPLE CONGENITAL ANOMALY SYNDROME; 7-Dehydrocholesterol reductase deficiency. Identifiers: Orphanet 818, MedGen C0175694, MONDO:0010035, OMIM 270400.

Allele frequency attached by ClinVar (database versions not stated): TOPMed below 0.00001.

Submissions (2):

Natera, Inc.
Classification: Likely pathogenic for Smith-Lemli-Opitz syndrome. Last evaluated: 2025-06-23. Review status: criteria provided, single submitter. Criteria: Natera Variant Classification Schema (03/2026). Collection method: clinical testing. Allele origin: germline.
Comment: The c.1214delA variant in DHCR7 is a frameshift variant predicted to shift the reading frame beginning at codon 405 and leads to a stop codon 8 codons downstream. This variant is expected to result in nonsense mediated decay, truncation, or a dysfunctional protein product. This variant is rare in the general population with a frequency below the threshold expected for the associated phenotype(s). Given the available evidence, this variant is classified as Likely Pathogenic.

Labcorp Genetics (formerly Invitae), Labcorp
Classification: Pathogenic for Smith-Lemli-Opitz syndrome. Last evaluated: 2024-06-03. Review status: criteria provided, single submitter. Criteria: Invitae Variant Classification Sherloc (09022015). Collection method: clinical testing. Allele origin: germline.
Comment: This sequence change creates a premature translational stop signal (p.His405Profs*8) in the DHCR7 gene. While this is not anticipated to result in nonsense mediated decay, it is expected to disrupt the last 71 amino acid(s) of the DHCR7 protein. This variant is not present in population databases (gnomAD no frequency). This variant has not been reported in the literature in individuals affected with DHCR7-related conditions. ClinVar contains an entry for this variant (Variation ID: 2098111). This variant disrupts a region of the DHCR7 protein in which other variant(s) (p.Phe475Ser) have been determined to be pathogenic (PMID: 15776424). This suggests that this is a clinically significant region of the protein, and that variants that disrupt it are likely to be disease-causing. For these reasons, this variant has been classified as Pathogenic.

Literature cited by the submitters: PubMed 15776424 (cited by Labcorp Genetics (formerly Invitae), Labcorp).